The following is an entry in ClinVar:

NM_001384732.1(CPLANE1):c.2221A>C (p.Asn741His)

Gene: CPLANE1 (ciliogenesis and planar polarity effector complex subunit 1; minus strand). Cytogenetic location: 5p13.2.
Variant type: single nucleotide variant.
Coding change: c.2221A>C on transcript NM_001384732.1 (MANE Select); coding-DNA position 2221, A replaced by C.
Protein change: p.Asn741His; replaces asparagine 741 with histidine.
Molecular consequence: missense variant.
Genome position (GRCh38, 1-based): chr5:37,226,374, T>G on the plus strand (A>C on the coding strand, the complement: CPLANE1 is on the minus strand). VCF-style: chr5-37226374-T-G. GRCh37 (hg19) VCF-style: chr5-37226476-T-G.
Other names: c.2221A>C, p.Asn741His (NM_023073.4); short protein forms N741H.
Identifiers: ClinVar variation 1994523 (VCV001994523.4), dbSNP rs2548577067, ClinGen allele CA359494971.

ClinVar aggregate classification (germline): Uncertain significance (1 of 4 stars; one submission).

Submission:

Labcorp Genetics (formerly Invitae), Labcorp
Classification: Uncertain significance. Last evaluated: 2022-10-13. Review status: criteria provided, single submitter. Criteria: Invitae Variant Classification Sherloc (09022015). Collection method: clinical testing. Allele origin: germline.
Comment: This sequence change replaces asparagine, which is neutral and polar, with histidine, which is basic and polar, at codon 741 of the CPLANE1 protein (p.Asn741His). This variant is not present in population databases (gnomAD no frequency). This variant has not been reported in the literature in individuals affected with CPLANE1-related conditions. Advanced modeling of protein sequence and biophysical properties (such as structural, functional, and spatial information, amino acid conservation, physicochemical variation, residue mobility, and thermodynamic stability) performed at Invitae indicates that this missense variant is not expected to disrupt CPLANE1 protein function. In summary, the available evidence is currently insufficient to determine the role of this variant in disease. Therefore, it has been classified as a Variant of Uncertain Significance.